The following is an entry in ClinVar:

ClinVar aggregate classification (germline): Uncertain significance (1 of 4 stars; one submission).

Conditions:
Cardiovascular phenotype. Identifiers: MedGen CN230736.

Submission:

Ambry Genetics
Classification: Uncertain significance for Cardiovascular phenotype. Last evaluated: 2026-07-19. Review status: criteria provided, single submitter. Criteria: Ambry Variant Classification Scheme 2023. Collection method: clinical testing. Allele origin: germline.
Comment: The p.A803D variant (also known as c.2408C>A), located in coding exon 16 of the APOB gene, results from a C to A substitution at nucleotide position 2408. The alanine at codon 803 is replaced by aspartic acid, an amino acid with dissimilar properties. This amino acid position is conserved. In addition, this alteration is predicted to be tolerated by in silico analysis. Based on the available evidence, the clinical significance of this variant remains unclear.

NM_000384.3(APOB):c.2408C>A (p.Ala803Asp)

Gene: APOB (apolipoprotein B; minus strand). Cytogenetic location: 2p24.1.
Variant type: single nucleotide variant.
Coding change: c.2408C>A on transcript NM_000384.3 (MANE Select); coding-DNA position 2408, C replaced by A.
Protein change: p.Ala803Asp; replaces alanine 803 with aspartic acid.
Molecular consequence: missense variant.
Genome position (GRCh38, 1-based): chr2:21,024,961, G>T on the plus strand (C>A on the coding strand, the complement: APOB is on the minus strand). VCF-style: chr2-21024961-G-T. GRCh37 (hg19) VCF-style: chr2-21247833-G-T.
Other names: short protein forms A803D.
Identifiers: ClinVar variation 5027706 (VCV005027706.1).